The following is an entry in ClinVar:

ClinVar aggregate classification (germline): Uncertain significance (1 of 4 stars; one submission).

Conditions:
Congenital myasthenic syndrome 8. Also called: MYASTHENIC SYNDROME, CONGENITAL, DUE TO AGRIN DEFICIENCY; Myasthenic syndrome, congenital, 8, with pre- and postsynaptic defects. Identifiers: Orphanet 590, MedGen C3808739, MONDO:0014052, OMIM 615120.

Allele frequency attached by ClinVar (database versions not stated): gnomAD exomes below 0.00001.
gnomAD v4.1: 4 of 1,590,692 alleles (0.00025%); highest among the groups gnomAD compares: South Asian, 0.0011%; no homozygotes.

Submission:

Labcorp Genetics (formerly Invitae), Labcorp
Classification: Uncertain significance for Congenital myasthenic syndrome 8. Last evaluated: 2022-01-06. Review status: criteria provided, single submitter. Criteria: Invitae Variant Classification Sherloc (09022015). Collection method: clinical testing. Allele origin: germline.
Comment: In summary, the available evidence is currently insufficient to determine the role of this variant in disease. Therefore, it has been classified as a Variant of Uncertain Significance. Algorithms developed to predict the effect of missense changes on protein structure and function are either unavailable or do not agree on the potential impact of this missense change (SIFT: "Deleterious"; PolyPhen-2: "Probably Damaging"; Align-GVGD: "Class C0"). ClinVar contains an entry for this variant (Variation ID: 1000752). This variant has not been reported in the literature in individuals affected with AGRN-related conditions. This variant is not present in population databases (gnomAD no frequency). This sequence change replaces cysteine, which is neutral and slightly polar, with tyrosine, which is neutral and polar, at codon 1615 of the AGRN protein (p.Cys1615Tyr).

NM_198576.4(AGRN):c.4844G>A (p.Cys1615Tyr)

Gene: AGRN (agrin; plus strand). Cytogenetic location: 1p36.33.
Variant type: single nucleotide variant.
Coding change: c.4844G>A on transcript NM_198576.4 (MANE Select); coding-DNA position 4844, G replaced by A.
Protein change: p.Cys1615Tyr; replaces cysteine 1615 with tyrosine.
Molecular consequence: missense variant.
Genome position (GRCh38, 1-based): chr1:1,050,002, G>A. VCF-style: chr1-1050002-G-A. GRCh37 (hg19) VCF-style: chr1-985382-G-A.
Other names: c.4844G>A, p.Cys1615Tyr (NM_001305275.2); c.4529G>A, p.Cys1510Tyr (NM_001364727.2); short protein forms C1510Y, C1615Y.
Identifiers: ClinVar variation 1000752 (VCV001000752.8), dbSNP rs1645231004, ClinGen allele CA337779519.